The following is an entry in ClinVar:

ClinVar aggregate classification (germline): Conflicting classifications of pathogenicity. Review status: criteria provided, conflicting classifications (1 of 4 stars). 2 submissions from 2 submitters: Uncertain significance (1); Likely benign (1). Last evaluated 2023-12-20.

Conditions:
Inborn genetic diseases. Identifiers: MedGen C0950123, MeSH D030342.

Allele frequency attached by ClinVar (database versions not stated): TOPMed 0.00004; gnomAD 0.00005; gnomAD exomes 0.00006.
gnomAD v4.1: 86 of 1,587,126 alleles (0.0054%); highest among the groups gnomAD compares: Non-Finnish European, 0.007%; no homozygotes.

Submissions (2):

Ambry Genetics
Classification: Likely benign for Inborn genetic diseases. Last evaluated: 2023-12-20. Review status: criteria provided, single submitter. Criteria: Ambry Variant Classification Scheme 2023. Collection method: clinical testing. Allele origin: germline.

GeneDx
Classification: Uncertain significance. Last evaluated: 2022-05-02. Review status: criteria provided, single submitter. Criteria: GeneDx Variant Classification Process June 2021. Collection method: clinical testing. Allele origin: germline. Affected: yes.
Comment: Not observed at significant frequency in large population cohorts (gnomAD); In silico analysis supports that this missense variant does not alter protein structure/function; Has not been previously published as pathogenic or benign to our knowledge

NM_001009944.3(PKD1):c.10663G>A (p.Ala3555Thr)

Genes: PKD1 (polycystin 1, transient receptor potential channel interacting; minus strand), PKD1-AS1 (PKD1 antisense RNA 1; plus strand). Cytogenetic location: 16p13.3.
Variant type: single nucleotide variant.
Coding change: c.10663G>A on transcript NM_001009944.3 (MANE Select); coding-DNA position 10663, G replaced by A.
Protein change: p.Ala3555Thr; replaces alanine 3555 with threonine.
Molecular consequence: missense variant.
Genome position (GRCh38, 1-based): chr16:2,093,969, C>T on the plus strand (G>A on the coding strand, the complement: PKD1 is on the minus strand). VCF-style: chr16-2093969-C-T. GRCh37 (hg19) VCF-style: chr16-2143970-C-T.
Other names: c.10660G>A, p.Ala3554Thr (NM_000296.4); c.10660G>A (NM_000296.3); short protein forms A3554T, A3555T.
Identifiers: ClinVar variation 1722819 (VCV001722819.3), dbSNP rs756463775, ClinGen allele CA7829467.